The following is an entry in ClinVar:

ClinVar aggregate classification (germline): Uncertain significance (1 of 4 stars; one submission).

Conditions:
Hereditary cancer-predisposing syndrome. Also called: Neoplastic Syndromes, Hereditary; Tumor predisposition; Hereditary Cancer Syndrome; Hereditary neoplastic syndrome. Identifiers: Orphanet 140162, MedGen C0027672, MeSH D009386, MONDO:0015356.

Submission:

Ambry Genetics
Classification: Uncertain significance for Hereditary cancer-predisposing syndrome. Last evaluated: 2025-11-08. Review status: criteria provided, single submitter. Criteria: Ambry Variant Classification Scheme 2023. Collection method: clinical testing. Allele origin: germline.
Comment: The p.A918V variant (also known as c.2753C>T), located in coding exon 17 of the PTCH1 gene, results from a C to T substitution at nucleotide position 2753. The alanine at codon 918 is replaced by valine, an amino acid with similar properties. This amino acid position is conserved. In addition, this alteration is predicted to be deleterious by in silico analysis. Based on the available evidence, the clinical significance of this variant remains unclear.

NM_000264.5(PTCH1):c.2753C>T (p.Ala918Val)

Gene: PTCH1 (patched 1; minus strand). Cytogenetic location: 9q22.32.
Variant type: single nucleotide variant.
Coding change: c.2753C>T on transcript NM_000264.5 (MANE Select); coding-DNA position 2753, C replaced by T.
Protein change: p.Ala918Val; replaces alanine 918 with valine.
Molecular consequence: missense variant. On other transcripts: non-coding transcript variant (1).
Genome position (GRCh38, 1-based): chr9:95,459,734, G>A on the plus strand (C>T on the coding strand, the complement: PTCH1 is on the minus strand). VCF-style: chr9-95459734-G-A. GRCh37 (hg19) VCF-style: chr9-98222016-G-A.
Other names: c.2555C>T, p.Ala852Val (NM_001083602.3); c.2750C>T, p.Ala917Val (NM_001083603.3); c.2300C>T, p.Ala767Val (NM_001083604.3, NM_001083605.3, NM_001083606.3 and 1 more transcripts); c.2597C>T, p.Ala866Val (NM_001354918.2); short protein forms A866V, A767V, A852V, A917V, A918V.
Identifiers: ClinVar variation 4675956 (VCV004675956.1).